The following is an entry in ClinVar:

ClinVar aggregate classification (germline): Pathogenic. Review status: criteria provided, multiple submitters, no conflicts (2 of 4 stars). 13 submissions from 13 submitters: Pathogenic (11). 2 of the submissions do not count toward it. Last evaluated 2025-10-20.

Conditions:
DEPDC5-related disorder. Also called: DEPDC5-related condition; DEPDC5-related related disorder.
Familial focal epilepsy with variable foci (FPEVF). Identifiers: Orphanet 98820, MedGen C1858477, MONDO:0020310.
Inborn genetic diseases. Identifiers: MedGen C0950123, MeSH D030342.
Epilepsy, familial focal, with variable foci 1 (FFEVF1). Also called: DEPDC5-Related Epilepsy. Identifiers: MedGen C4551983, MONDO:0024556, OMIM 604364.

Allele frequency attached by ClinVar (database versions not stated): gnomAD 0.00001.
gnomAD v4.1: 2 of 1,613,908 alleles (0.00012%); highest among the groups gnomAD compares: Non-Finnish European, 0.00017%; no homozygotes.

Submissions (13):

3billion
Classification: Pathogenic for Epilepsy, familial focal, with variable foci 1. Last evaluated: 2025-10-20. Review status: criteria provided, single submitter. Criteria: ACMG Guidelines, 2015. Collection method: clinical testing. Allele origin: germline. Affected: yes.
Comment: The variant is observed at an extremely low frequency in the gnomAD v4.1.0 dataset (total allele frequency: <0.001%). Predicted Consequence/Location: Stop-gained (nonsense): predicted to result in a loss or disruption of normal protein function through nonsense-mediated decay (NMD) or protein truncation. Multiple pathogenic variants are reported downstream of the variant. The variant has been reported to co-segregate with the disease in at least 7 similarly affected relatives/individuals in at least two unrelated families (PMID: 23542697). The variant has been reported at least twice as pathogenic with clinical assertions and evidence for the classification (ClinVar ID: VCV000050820 /PMID: 23542697 /3billion dataset). Therefore, this variant is classified as Pathogenic according to the recommendation of ACMG/AMP guideline.

Labcorp Genetics (formerly Invitae), Labcorp
Classification: Pathogenic for Familial focal epilepsy with variable foci. Last evaluated: 2025-04-26. Review status: criteria provided, single submitter. Criteria: Invitae Variant Classification Sherloc (09022015). Collection method: clinical testing. Allele origin: germline.
Comment: This sequence change creates a premature translational stop signal (p.Arg555*) in the DEPDC5 gene. It is expected to result in an absent or disrupted protein product. Loss-of-function variants in DEPDC5 are known to be pathogenic (PMID: 23542697, 23542701). This variant is present in population databases (rs587776973, gnomAD 0.007%). This premature translational stop signal has been observed in individual(s) with focal epilepsy (PMID: 23542697, 26000329, 28102150). ClinVar contains an entry for this variant (Variation ID: 50820). For these reasons, this variant has been classified as Pathogenic.

Mayo Clinic Laboratories, Mayo Clinic
Classification: Pathogenic. Last evaluated: 2025-03-03. Review status: criteria provided, single submitter. Criteria: ACMG Guidelines, 2015. Collection method: clinical testing. Allele origin: germline. Observed: 1 variant allele.
Comment: PP1, PM2_supporting, PS4_moderate, PVS1

Institute of Human Genetics, University of Leipzig Medical Center
Classification: Pathogenic for Epilepsy, familial focal, with variable foci 1. Last evaluated: 2024-08-21. Review status: criteria provided, single submitter. Criteria: ACMG Guidelines, 2015. Collection method: clinical testing. Allele origin: unknown. Inheritance: Autosomal dominant inheritance. Affected: yes.
Comment: Criteria applied: PVS1, PS4_MOD, PM2_SUP

Laboratorio de Genetica e Diagnostico Molecular, Hospital Israelita Albert Einstein
Classification: Pathogenic for Epilepsy, familial focal, with variable foci 1. Last evaluated: 2024-07-23. Review status: criteria provided, single submitter. Criteria: ACMG Guidelines, 2015. Collection method: clinical testing. Allele origin: germline. Affected: yes.
Comment: ACMG classification criteria: PVS1 very strong, PS4 strong, PM2 supporting, PP1 supporting

GeneDx
Classification: Pathogenic. Last evaluated: 2022-08-18. Review status: criteria provided, single submitter. Criteria: GeneDx Variant Classification Process June 2021. Collection method: clinical testing. Allele origin: germline. Affected: yes.
Comment: Nonsense variant predicted to result in protein truncation or nonsense mediated decay in a gene for which loss-of-function is a known mechanism of disease; Not observed at significant frequency in large population cohorts (gnomAD); This variant is associated with the following publications: (PMID: 28102150, 31594065, 27683934, 14510823, 23609619, 29481864, 23542697, 30093711, 23869883, 26000329, 23542701, 34055363, 33461085, 33741238, 29359340, 30485578, Guzmn-Jimnez2019[Review], 29620010)

Blueprint Genetics
Classification: Pathogenic for DEPDC5-related disorders. Last evaluated: 2022-01-31. Review status: criteria provided, single submitter. Criteria: ACMG Guidelines, 2015. Collection method: clinical testing. Allele origin: germline. Affected: yes. Observed: 2 variant alleles.

Illumina Laboratory Services, Illumina
Classification: Pathogenic for Epilepsy, familial focal, with variable foci 1. Last evaluated: 2019-07-26. Review status: criteria provided, single submitter. Criteria: ICSLVariantClassificationCriteria RUGD 01 April 2020. Collection method: clinical testing. Allele origin: unknown.
Comment: The DEPDC5 c.1663C>T p.(Arg555Ter) nonsense variant is expected to result in the loss of normal protein function through either protein truncation or nonsense-mediated mRNA decay. The variant has been reported in two studies in which it has been identified in 19 individuals in a heterozygous state with familial focal epilepsy with variable foci from two families of Dutch ancestry (Dibbens et al. 2013; Scerri et al. 2015). The c.1663C>T p.(Arg555Ter) variant is reported in the Genome Aggregation Database in one allele at a frequency of 0.000067 in the European (non-Finnish) population (version 2.1.1). Based on the available evidence, the c.1663C>T p.(Arg555Ter) variant is classified as pathogenic for familial focal epilepsy with variable foci.

CeGaT Center for Human Genetics Tuebingen
Classification: Pathogenic. Last evaluated: 2018-04-01. Review status: criteria provided, single submitter. Criteria: CeGaT Center For Human Genetics Tuebingen Variant Classification Criteria Version 2. Collection method: clinical testing. Allele origin: germline. Affected: yes. Observed: 2 variant alleles.

Ambry Genetics
Classification: Pathogenic for Inborn genetic diseases. Last evaluated: 2017-09-20. Review status: criteria provided, single submitter. Criteria: Ambry Variant Classification Scheme 2023. Collection method: clinical testing. Allele origin: germline.
Comment: The p.R555* pathogenic mutation (also known as c.1663C>T), located in coding exon 20 of the DEPDC5 gene, results from a C to T substitution at nucleotide position 1663. This changes the amino acid from an arginine to a stop codon within coding exon 20. In one study, this mutation was detected in 25 individuals from a single Dutch family showing incomplete (56%) penetrance. 14 of the 25 individuals who carried the mutation in this family suffered from one or more of the following seizure types: frontal, frontotemporal, temporal, nocturnal frontal, and/or multi focal (Dibbens LM, et al. Nat. Genet. 2013;45(5):546-51). In another study, this mutation was detected in two brothers with drug-resistant, early-onset, focal epilepsy secondary to extensive type IIA focal cortical dysplasia. This alteration is expected to result in loss of function by premature protein truncation or nonsense-mediated mRNA decay. As such, this alteration is interpreted as a disease-causing mutation.

Solve-RD Consortium
Classification: Pathogenic for Epilepsy, familial focal, with variable foci 1. Review status: criteria provided, single submitter. Criteria: ACMG Guidelines, 2015. Collection method: provider interpretation. Allele origin: germline. Inheritance: Autosomal dominant inheritance. Affected: yes. Study: Solve-RD DIFT-EpiCARE reanalysis.
Comment: PS4, PVS1, PM2

Variant identified during reanalysis of unsolved cases by the Solve-RD project. The Solve-RD project has received funding from the European Union’s Horizon 2020 research and innovation programme under grant agreement No 779257.

OMIM
Classification: Pathogenic for EPILEPSY, FAMILIAL FOCAL, WITH VARIABLE FOCI 1. Last evaluated: 2013-05-01. Review status: no assertion criteria provided. Collection method: literature only. Allele origin: germline. Not counted in ClinVar's aggregate classification.

GeneReviews
No classification provided. Condition: Epilepsy, familial focal, with variable foci 1. Review status: no classification provided. Collection method: literature only. Allele origin: germline. Affected: yes. Not counted in ClinVar's aggregate classification.

Literature cited by the submitters: PubMed 23542697 (cited by 5 submitters); PubMed 23542701 (cited by Labcorp Genetics (formerly Invitae), Labcorp); PubMed 26000329 (cited by 4 submitters); PubMed 28102150 (cited by Labcorp Genetics (formerly Invitae), Labcorp and Mayo Clinic Laboratories, Mayo Clinic); PubMed 14510823 (cited by Mayo Clinic Laboratories, Mayo Clinic); PubMed 30093711 (cited by Mayo Clinic Laboratories, Mayo Clinic); PubMed 31440721 (cited by Mayo Clinic Laboratories, Mayo Clinic); PubMed 23869883 (cited by Ambry Genetics); Callenbach, P. M. C., van den Maagdenberg, A. M. J. M., Hottenga, J. J., van den Boogerd, E. H., de Coo, R. F. M., Lindhout, D., Frants, R. R., Sandkuijl, L. A., Brouwer, O. F. Familial partial epilepsy with variable foci in a Dutch family: clinical characteristics and confirmation of linkage to chromosome 22q. Epilepsia 44: 1298-1305, 2003. (cited by OMIM); Dibbens, L. M., de Vries, B., Donatello, S., Heron, S. E., Hodgson, B. L., Chintawar, S., Crompton, D. E., Hughes, J. N., Bellows, S. T., Klein, K. M., Callenbach, P. M. C., Corbett, M. A., and 23 others Mutations in DEPDC5 cause familial focal epilepsy with variable foci. Nature Genet. 45: 546-551, 2013. (cited by OMIM); NCBI Bookshelf NBK385626 (cited by GeneReviews).

NM_001242896.3(DEPDC5):c.1663C>T (p.Arg555Ter)

Gene: DEPDC5 (DEP domain containing 5, GATOR1 subcomplex subunit; plus strand). Cytogenetic location: 22q12.3.
Variant type: single nucleotide variant.
Coding change: c.1663C>T on transcript NM_001242896.3 (MANE Select); coding-DNA position 1663, C replaced by T.
Protein change: p.Arg555Ter; replaces arginine 555 with a stop codon.
Molecular consequence: nonsense. On other transcripts: non-coding transcript variant (5).
Genome position (GRCh38, 1-based): chr22:31,815,209, C>T. VCF-style: chr22-31815209-C-T. GRCh37 (hg19) VCF-style: chr22-32211195-C-T.
Other names: p.Arg555*; c.1663C>T, p.Arg555Ter (NM_001007188.4, NM_001136029.4, NM_001242897.2 and 7 more transcripts); c.1579C>T, p.Arg527Ter (NM_001369901.1, NM_001369902.1); short protein forms R555*, R527*.
Identifiers: ClinVar variation 50820 (VCV000050820.59), dbSNP rs587776973, ClinGen allele CA143790.
Genomic context (GRCh38, chr22:31,815,209, plus strand): 5'-ATCCCACACCCCCACCTGCACCAGTATGAAGTCAGCAGCTCCTTGGGATACACCAGCACT[C>T]GAGGTAAGAGTGCTGAAGCACAGACAGAGCCAGGGACATCTTTCTTAATATAGTGGGTGA-3'